The following is an entry in ClinVar:

NM_005559.4(LAMA1):c.2946del (p.Arg982fs)

Gene: LAMA1 (laminin subunit alpha 1; minus strand). Cytogenetic location: 18p11.31.
Variant type: Deletion.
Coding change: c.2946del on transcript NM_005559.4 (MANE Select); coding-DNA position 2946, one base deleted (G; older notation c.2946delG).
Protein change: p.Arg982fs; shifts the reading frame from arginine 982.
Molecular consequence: frameshift variant.
Genome position (GRCh38, 1-based): chr18:7,016,534, C deleted on the plus strand (G on the coding strand, the reverse complement: LAMA1 is on the minus strand); the first of 2 consecutive C bases (chr18:7,016,534-7,016,535); deleting either gives the same sequence. VCF-style (leftmost placement, unchanged base first): chr18-7016533-AC-A. GRCh37 (hg19) VCF-style: chr18-7016532-AC-A.
Other names: short protein forms R982fs.
Identifiers: ClinVar variation 4727521 (VCV004727521.1).
Genomic context (GRCh38, chr18:7,016,533, plus strand): 5'-AAGGAAATCAAGGCTTACGTGTACAGCTACCATCCTGGTAGGCGTAGAAGCCATGGGCAC[AC>A]CTGTCACACCTTTTCCCTGCCACACCTGGGACACAGTGACACTGGCCTTCATCCGTGCAG-3'

ClinVar aggregate classification (germline): Pathogenic (1 of 4 stars; one submission).

Submission:

Labcorp Genetics (formerly Invitae), Labcorp
Classification: Pathogenic. Last evaluated: 2025-09-21. Review status: criteria provided, single submitter. Criteria: Invitae Variant Classification Sherloc (09022015). Collection method: clinical testing. Allele origin: germline.
Comment: This sequence change creates a premature translational stop signal (p.Arg982Serfs*42) in the LAMA1 gene. It is expected to result in an absent or disrupted protein product. Loss-of-function variants in LAMA1 are known to be pathogenic (PMID: 25105227, 26932191). This variant is not present in population databases (gnomAD no frequency). This variant has not been reported in the literature in individuals affected with LAMA1-related conditions. For these reasons, this variant has been classified as Pathogenic.

Literature cited by the submitters: PubMed 25105227; PubMed 26932191.